The following is an entry in ClinVar:

NM_001370259.2(MEN1):c.1004G>A (p.Arg335Gln)

Gene: MEN1 (menin 1; minus strand). Cytogenetic location: 11q13.1.
Variant type: single nucleotide variant.
Coding change: c.1004G>A on transcript NM_001370259.2 (MANE Select); coding-DNA position 1004, G replaced by A.
Protein change: p.Arg335Gln; replaces arginine 335 with glutamine.
Molecular consequence: missense variant.
Genome position (GRCh38, 1-based): chr11:64,806,277, C>T on the plus strand (G>A on the coding strand, the complement: MEN1 is on the minus strand). VCF-style: chr11-64806277-C-T. GRCh37 (hg19) VCF-style: chr11-64573749-C-T.
Other names: c.1019G>A, p.Arg340Gln (NM_000244.4, NM_130800.3, NM_130801.3 and 3 more transcripts); c.1004G>A, p.Arg335Gln (NM_001370251.2, NM_001370260.2, NM_001370261.2 and 1 more transcripts); c.899G>A, p.Arg300Gln (NM_001370262.2, NM_001370263.2); short protein forms R335Q, R340Q, R300Q.
Identifiers: ClinVar variation 403817 (VCV000403817.11), dbSNP rs764998893, ClinGen allele CA059675.
Genomic context (GRCh38, chr11:64,806,277, plus strand): 5'-TAGGGGGATCCTCACTCCTGGATGACAGTGGCCGTGTCCGCCCAGGCCTGCAGGGCTTCC[C>T]GCACATTGCGGTTGCGACAGTGGTAGCCAGCCAGGTACATGTAGGGGTAGATGTGTTCAT-3'
Protein context (NP_001357188.2, residues 325-345): AGYHCRNRNV[Arg335Gln]EALQAWADTA

ClinVar aggregate classification (germline): Uncertain significance. Review status: criteria provided, multiple submitters, no conflicts (2 of 4 stars). 3 submissions from 3 submitters: Uncertain significance (3). Last evaluated 2025-06-26.

Conditions:
Hereditary cancer-predisposing syndrome. Also called: Tumor predisposition; Neoplastic Syndromes, Hereditary; Hereditary Cancer Syndrome; Hereditary neoplastic syndrome. Identifiers: Orphanet 140162, MedGen C0027672, MeSH D009386, MONDO:0015356.
Multiple endocrine neoplasia, type 1 (MEN1). Also called: MEN I; WERMER SYNDROME; Endocrine adenomatosis multiple; MEN 1; MEA I. Identifiers: Orphanet 652, MedGen C0025267, MeSH D018761, MONDO:0007540, OMIM 131100.

Allele frequency attached by ClinVar (database versions not stated): gnomAD exomes below 0.00001; gnomAD 0.00001; ExAC 0.00002.

Submissions (3):

Color Diagnostics, LLC DBA Color Health
Classification: Uncertain significance for Multiple endocrine neoplasia, type 1. Last evaluated: 2025-06-26. Review status: criteria provided, single submitter. Criteria: ACMG Guidelines, 2015. Collection method: clinical testing. Allele origin: germline.
Comment: This missense variant replaces arginine with glutamine at codon 335 of the MEN1 protein. Computational prediction is inconclusive regarding the impact of this variant on protein structure and function. To our knowledge, functional studies have not been reported for this variant. This variant has not been reported in individuals affected with MEN1-related disorders in the literature. This variant has been identified in 1/251470 chromosomes in the general population by the Genome Aggregation Database (gnomAD). The available evidence is insufficient to determine the role of this variant in disease conclusively. Therefore, this variant is classified as a Variant of Uncertain Significance.

Labcorp Genetics (formerly Invitae), Labcorp
Classification: Uncertain significance for Multiple endocrine neoplasia, type 1. Last evaluated: 2024-05-15. Review status: criteria provided, single submitter. Criteria: Invitae Variant Classification Sherloc (09022015). Collection method: clinical testing. Allele origin: germline.
Comment: This sequence change replaces arginine, which is basic and polar, with glutamine, which is neutral and polar, at codon 335 of the MEN1 protein (p.Arg335Gln). This variant is present in population databases (rs764998893, gnomAD 0.0009%). This variant has not been reported in the literature in individuals affected with MEN1-related conditions. ClinVar contains an entry for this variant (Variation ID: 403817). Advanced modeling of protein sequence and biophysical properties (such as structural, functional, and spatial information, amino acid conservation, physicochemical variation, residue mobility, and thermodynamic stability) performed at Invitae indicates that this missense variant is expected to disrupt MEN1 protein function with a positive predictive value of 95%. In summary, the available evidence is currently insufficient to determine the role of this variant in disease. Therefore, it has been classified as a Variant of Uncertain Significance.

Ambry Genetics
Classification: Uncertain significance for Hereditary cancer-predisposing syndrome. Last evaluated: 2024-01-22. Review status: criteria provided, single submitter. Criteria: Ambry Variant Classification Scheme 2023. Collection method: clinical testing. Allele origin: germline.
Comment: The p.R335Q variant (also known as c.1004G>A), located in coding exon 6 of the MEN1 gene, results from a G to A substitution at nucleotide position 1004. The arginine at codon 335 is replaced by glutamine, an amino acid with highly similar properties. This amino acid position is highly conserved in available vertebrate species. In addition, the in silico prediction for this alteration is inconclusive. Since supporting evidence is limited at this time, the clinical significance of this alteration remains unclear.